The following is an entry in ClinVar:

NM_001160148.2(DDHD1):c.341C>T (p.Ser114Phe)

Gene: DDHD1 (DDHD domain containing 1; minus strand). Cytogenetic location: 14q22.1.
Variant type: single nucleotide variant.
Coding change: c.341C>T on transcript NM_001160148.2 (MANE Select); coding-DNA position 341, C replaced by T.
Protein change: p.Ser114Phe; replaces serine 114 with phenylalanine.
Molecular consequence: missense variant.
Genome position (GRCh38, 1-based): chr14:53,152,758, G>A on the plus strand (C>T on the coding strand, the complement: DDHD1 is on the minus strand). VCF-style: chr14-53152758-G-A. GRCh37 (hg19) VCF-style: chr14-53619476-G-A.
Other names: c.341C>T, p.Ser114Phe (NM_001160147.2, NM_030637.3); short protein forms S114F.
Identifiers: ClinVar variation 1427153 (VCV001427153.16), dbSNP rs753310279, ClinGen allele CA7191519.

ClinVar aggregate classification (germline): Uncertain significance. Review status: criteria provided, multiple submitters, no conflicts (2 of 4 stars). 2 submissions from 2 submitters: Uncertain significance (2). Last evaluated 2025-01-01.

Conditions:
Hereditary spastic paraplegia 28. Also called: Spastic paraplegia 28, autosomal recessive. Identifiers: Orphanet 101008, MedGen C1836295, MONDO:0012256, OMIM 609340.

Allele frequency attached by ClinVar (database versions not stated): ExAC 0.00006.
gnomAD v4.1: 70 of 1,514,140 alleles (0.0046%); highest among the groups gnomAD compares: Non-Finnish European, 0.0061%; no homozygotes.

Submissions (2):

CeGaT Center for Human Genetics Tuebingen
Classification: Uncertain significance. Last evaluated: 2025-01-01. Review status: criteria provided, single submitter. Criteria: CeGaT Center For Human Genetics Tuebingen Variant Classification Criteria Version 2. Collection method: clinical testing. Allele origin: germline. Affected: yes. Observed: 1 variant allele.
Comment: DDHD1: PM2

Labcorp Genetics (formerly Invitae), Labcorp
Classification: Uncertain significance for Hereditary spastic paraplegia 28. Last evaluated: 2021-10-28. Review status: criteria provided, single submitter. Criteria: Invitae Variant Classification Sherloc (09022015). Collection method: clinical testing. Allele origin: germline.
Comment: This sequence change replaces serine, which is neutral and polar, with phenylalanine, which is neutral and non-polar, at codon 114 of the DDHD1 protein (p.Ser114Phe). This variant is present in population databases (rs753310279, gnomAD 0.01%). This variant has not been reported in the literature in individuals affected with DDHD1-related conditions. Algorithms developed to predict the effect of missense changes on protein structure and function (SIFT, PolyPhen-2, Align-GVGD) all suggest that this variant is likely to be tolerated. In summary, the available evidence is currently insufficient to determine the role of this variant in disease. Therefore, it has been classified as a Variant of Uncertain Significance.